The following is an entry in ClinVar:

ClinVar aggregate classification (germline): Uncertain significance (1 of 4 stars; one submission).

Conditions:
COL4A2-related disorder. Also called: COL4A2-related disorders; COL4A2-related condition.

gnomAD v4.1: 1 of 1,614,268 alleles (0.000062%); highest among the groups gnomAD compares: Admixed American, 0.0017%; no homozygotes.

Submission:

PreventionGenetics, part of Exact Sciences
Classification: Uncertain significance for COL4A2-related condition. Last evaluated: 2025-12-18. Review status: criteria provided, single submitter. Criteria: ACMG Guidelines, 2015. Collection method: clinical testing. Allele origin: germline.
Comment: The COL4A2 c.1640A>G variant is predicted to result in the amino acid substitution p.Lys547Arg. To our knowledge, this variant has not been reported in the literature or in a large population database (gnomAD), indicating this variant is rare. At this time, the clinical significance of this variant is uncertain due to the absence of conclusive functional and genetic evidence.

NM_001846.4(COL4A2):c.1640A>G (p.Lys547Arg)

Genes: COL4A2 (collagen type IV alpha 2 chain; plus strand), COL4A2-AS2 (COL4A2 antisense RNA 2; minus strand). Cytogenetic location: 13q34.
Variant type: single nucleotide variant.
Coding change: c.1640A>G on transcript NM_001846.4 (MANE Select); coding-DNA position 1640, A replaced by G.
Protein change: p.Lys547Arg; replaces lysine 547 with arginine.
Molecular consequence: missense variant.
Genome position (GRCh38, 1-based): chr13:110,462,157, A>G. VCF-style: chr13-110462157-A-G. GRCh37 (hg19) VCF-style: chr13-111114504-A-G.
Other names: short protein forms K547R.
Identifiers: ClinVar variation 4996198 (VCV004996198.1).